The following is an entry in ClinVar:

NM_005592.4(MUSK):c.2202C>T (p.Gly734=)

Gene: MUSK (muscle associated receptor tyrosine kinase; plus strand). Cytogenetic location: 9q31.3.
Variant type: single nucleotide variant.
Coding change: c.2202C>T on transcript NM_005592.4 (MANE Select); coding-DNA position 2202, C replaced by T.
Protein change: p.Gly734=; no amino-acid change (glycine 734 retained).
Molecular consequence: synonymous variant.
Genome position (GRCh38, 1-based): chr9:110,800,580, C>T. VCF-style: chr9-110800580-C-T. GRCh37 (hg19) VCF-style: chr9-113562860-C-T.
Other names: c.1944C>T, p.Gly648= (NM_001166280.2); c.1914C>T, p.Gly638= (NM_001166281.2); c.942C>T, p.Gly314= (NM_001369398.1).
Identifiers: ClinVar variation 129631 (VCV000129631.24), dbSNP rs143701488, ClinGen allele CA153737.
Genomic context (GRCh38, chr9:110,800,580, plus strand): 5'-TTACCTCTCAGAACGTAAGTTTGTTCACCGAGATTTAGCCACCAGGAACTGCCTGGTGGG[C>T]GAGAACATGGTGGTGAAAATTGCCGACTTTGGCCTCTCCAGGAACATCTACTCAGCAGAC-3'
Protein context (NP_005583.1, residues 724-744): RDLATRNCLV[Gly734=]ENMVVKIADF

ClinVar aggregate classification (germline): Benign/Likely benign. Review status: criteria provided, multiple submitters, no conflicts (2 of 4 stars). 5 submissions from 5 submitters: Benign (1); Likely benign (3). 1 of the submissions does not count toward it. Last evaluated 2026-01-28.

Conditions:
Fetal akinesia deformation sequence 1 (FADS1). Also called: Pena-Shokeir syndrome type I; Fetal akinesia sequence. Identifiers: Orphanet 994, MedGen C1276035, MONDO:0100101, OMIM 208150, HP:0001989.
Congenital myasthenic syndrome 9. Also called: Myasthenic syndrome, congenital, 9, associated with acetylcholine receptor deficiency. Identifiers: Orphanet 590, MedGen C4225368, MONDO:0014587, OMIM 616325.

Allele frequency attached by ClinVar (database versions not stated): gnomAD exomes 0.00021 and 0.00065; ExAC 0.00086; TOPMed 0.00212; gnomAD 0.00217; ESP Exome Variant Server 0.00252; 1000 Genomes Project 0.00359; 1000 Genomes Project 30x 0.00359.
gnomAD v4.1: 683 of 1,613,268 alleles (0.042%); highest among the groups gnomAD compares: African/African-American, 0.74%; 5 homozygotes.

Submissions (5):

Labcorp Genetics (formerly Invitae), Labcorp
Classification: Benign for Congenital myasthenic syndrome 9; Fetal akinesia deformation sequence 1. Last evaluated: 2026-01-28. Review status: criteria provided, single submitter. Criteria: Invitae Variant Classification Sherloc (09022015). Collection method: clinical testing. Allele origin: germline.

Blueprint Genetics
Classification: Likely benign. Last evaluated: 2024-08-21. Review status: criteria provided, single submitter. Criteria: ACMG Guidelines, 2015. Collection method: clinical testing. Allele origin: germline.

Illumina Laboratory Services, Illumina
Classification: Likely benign for Congenital myasthenic syndrome 9. Last evaluated: 2018-01-12. Review status: criteria provided, single submitter. Criteria: ICSL Variant Classification Criteria 13 December 2019. Collection method: clinical testing. Allele origin: germline.
Comment: This variant was observed in the ICSL laboratory as part of a predisposition screen in an ostensibly healthy population. It had not been previously curated by ICSL or reported in the Human Gene Mutation Database (HGMD: prior to June 1st, 2018), and was therefore a candidate for classification through an automated scoring system. Utilizing variant allele frequency, disease prevalence and penetrance estimates, and inheritance mode, an automated score was calculated to assess if this variant is too frequent to cause the disease. Based on the score and internal cut-off values, a variant classified as likely benign is not then subjected to further curation. The score for this variant resulted in a classification of likely benign for this disease.

Eurofins Ntd Llc (ga)
Classification: Likely benign. Last evaluated: 2014-11-26. Review status: criteria provided, single submitter. Criteria: EGL Classification Definitions 2015. Collection method: clinical testing. Allele origin: germline. Observed: 1 variant allele, 1 heterozygote.

Genetic Services Laboratory, University of Chicago
Classification: Likely benign for AllHighlyPenetrant. Review status: no assertion criteria provided. Collection method: clinical testing. Allele origin: germline. Inheritance: Autosomal recessive inheritance. Not counted in ClinVar's aggregate classification.
Comment: Likely benign based on allele frequency in 1000 Genomes Project or ESP global frequency and its presence in a patient with a rare or unrelated disease phenotype. NOT Sanger confirmed.